The following is an entry in ClinVar:

ClinVar aggregate classification (germline): Uncertain significance (1 of 4 stars; one submission).

Conditions:
Developmental and epileptic encephalopathy, 54. Also called: Epileptic encephalopathy, early infantile, 54; HNRNPU-Related Neurodevelopmental Disorder. Identifiers: MedGen C4479319, MONDO:0033363, OMIM 617391.

Submission:

Labcorp Genetics (formerly Invitae), Labcorp
Classification: Uncertain significance for Developmental and epileptic encephalopathy, 54. Last evaluated: 2024-04-02. Review status: criteria provided, single submitter. Criteria: Invitae Variant Classification Sherloc (09022015). Collection method: clinical testing. Allele origin: germline.
Comment: This sequence change falls in intron 10 of the HNRNPU gene. It does not directly change the encoded amino acid sequence of the HNRNPU protein. This variant is not present in population databases (gnomAD no frequency). This variant has not been reported in the literature in individuals affected with HNRNPU-related conditions. Algorithms developed to predict the effect of sequence changes on RNA splicing suggest that this variant may disrupt the consensus splice site. In summary, the available evidence is currently insufficient to determine the role of this variant in disease. Therefore, it has been classified as a Variant of Uncertain Significance.

NM_031844.3(HNRNPU):c.1912+10T>G

Gene: HNRNPU (heterogeneous nuclear ribonucleoprotein U; minus strand). Cytogenetic location: 1q44.
Variant type: single nucleotide variant.
Coding change: c.1912+10T>G on transcript NM_031844.3 (MANE Select); 10 bases into the intron after coding-DNA position 1912, T replaced by G.
Molecular consequence: intron variant.
Genome position (GRCh38, 1-based): chr1:244,856,447, A>C on the plus strand (T>G on the coding strand, the complement: HNRNPU is on the minus strand). VCF-style: chr1-244856447-A-C. GRCh37 (hg19) VCF-style: chr1-245019749-A-C.
Other names: c.1855+10T>G (NM_004501.3).
Identifiers: ClinVar variation 3658674 (VCV003658674.2).
Genomic context (GRCh38, chr1:244,856,447, plus strand): 5'-GCAGAATATGTAGGAAAAACATTCTTTTAAAAAGAAGATTTCACACAGTAACAGAATTAA[A>C]ATTCCATGCCTTTCATTTTGAGGACCGCATGTTCTGGTAGGTCTTTCCCCTCTACTTCTG-3'